The following is an entry in ClinVar:

NM_000080.4(CHRNE):c.46+5G>C

Genes: C17orf107 (chromosome 17 open reading frame 107; plus strand), CHRNE (cholinergic receptor nicotinic epsilon subunit; minus strand). Cytogenetic location: 17p13.2.
Variant type: single nucleotide variant.
Coding change: c.46+5G>C on transcript NM_000080.4 (MANE Select); 5 bases into the intron after coding-DNA position 46, G replaced by C.
Molecular consequence: intron variant.
Genome position (GRCh38, 1-based): chr17:4,903,013, C>G on the plus strand (G>C on the coding strand, the complement: CHRNE is on the minus strand). VCF-style: chr17-4903013-C-G. GRCh37 (hg19) VCF-style: chr17-4806308-C-G.
Identifiers: ClinVar variation 3605165 (VCV003605165.2).

ClinVar aggregate classification (germline): Uncertain significance (1 of 4 stars; one submission).

Conditions:
Congenital myasthenic syndrome 4A. Also called: MYASTHENIC SYNDROME, CONGENITAL, 4A, SLOW-CHANNEL, AUTOSOMAL RECESSIVE; Myasthenic syndrome, congenital, 4a, slow-channel; CONGENITAL MYASTHENIC SYNDROME TYPE Ia1. Identifiers: Orphanet 590, MedGen C4225413, MONDO:0011600, OMIM 605809.

gnomAD v4.1: 3 of 1,614,084 alleles (0.00019%); highest among the groups gnomAD compares: African/African-American, 0.004%; no homozygotes.

Submission:

Labcorp Genetics (formerly Invitae), Labcorp
Classification: Uncertain significance for Congenital myasthenic syndrome 4A. Last evaluated: 2024-08-29. Review status: criteria provided, single submitter. Criteria: Invitae Variant Classification Sherloc (09022015). Collection method: clinical testing. Allele origin: germline.
Comment: This sequence change falls in intron 1 of the CHRNE gene. It does not directly change the encoded amino acid sequence of the CHRNE protein. It affects a nucleotide within the consensus splice site. This variant is not present in population databases (gnomAD no frequency). This variant has not been reported in the literature in individuals affected with CHRNE-related conditions. Variants that disrupt the consensus splice site are a relatively common cause of aberrant splicing (PMID: 17576681, 9536098). Algorithms developed to predict the effect of sequence changes on RNA splicing suggest that this variant may disrupt the consensus splice site. In summary, the available evidence is currently insufficient to determine the role of this variant in disease. Therefore, it has been classified as a Variant of Uncertain Significance.

Literature cited by the submitters: PubMed 17576681; PubMed 9536098.